The following is an entry in ClinVar:

ClinVar aggregate classification (germline): Uncertain significance (0 of 4 stars; one submission).

Conditions:
MACF1-related disorder. Also called: MACF1-related condition.

Submission:

PreventionGenetics, part of Exact Sciences
Classification: Uncertain significance for MACF1-related condition. Last evaluated: 2024-02-05. Review status: no assertion criteria provided. Collection method: clinical testing. Allele origin: germline.
Comment: The MACF1 c.6502C>G variant is predicted to result in the amino acid substitution p.Gln2168Glu. To our knowledge, this variant has not been reported in the literature or in a large population database, indicating this variant is rare. At this time, the clinical significance of this variant is uncertain due to the absence of conclusive functional and genetic evidence.

NM_001394062.1(MACF1):c.12688C>G (p.Gln4230Glu)

Gene: MACF1 (microtubule actin crosslinking factor 1; plus strand). Cytogenetic location: 1p34.3.
Variant type: single nucleotide variant.
Coding change: c.12688C>G on transcript NM_001394062.1 (MANE Select); coding-DNA position 12688, C replaced by G.
Protein change: p.Gln4230Glu; replaces glutamine 4230 with glutamic acid.
Molecular consequence: missense variant.
Genome position (GRCh38, 1-based): chr1:39,361,594, C>G. VCF-style: chr1-39361594-C-G. GRCh37 (hg19) VCF-style: chr1-39827266-C-G.
Other names: c.6502C>G, p.Gln2168Glu (NM_012090.5); short protein forms Q2168E, Q4230E.
Identifiers: ClinVar variation 3054130 (VCV003054130.2), dbSNP rs2522399823, ClinGen allele CA339824507.